The following is an entry in ClinVar:

NM_000188.3(HK1):c.280C>T (p.Arg94Trp)

Gene: HK1 (hexokinase 1; plus strand). Cytogenetic location: 10q22.1.
Variant type: single nucleotide variant.
Coding change: c.280C>T on transcript NM_000188.3 (MANE Select); coding-DNA position 280, C replaced by T.
Protein change: p.Arg94Trp; replaces arginine 94 with tryptophan.
Molecular consequence: missense variant.
Genome position (GRCh38, 1-based): chr10:69,359,950, C>T. VCF-style: chr10-69359950-C-T. GRCh37 (hg19) VCF-style: chr10-71119706-C-T.
Other names: c.292C>T, p.Arg98Trp (NM_001322364.2, NM_001358263.1, NM_033497.3 and 1 more transcripts); c.385C>T, p.Arg129Trp (NM_001322365.2); c.196C>T, p.Arg66Trp (NM_001322366.1); c.280C>T, p.Arg94Trp (NM_001322367.1); c.277C>T, p.Arg93Trp (NM_033496.3); c.244C>T, p.Arg82Trp (NM_033500.2); short protein forms R93W, R129W, R98W, R66W, R82W, R94W.
Identifiers: ClinVar variation 1394976 (VCV001394976.8), dbSNP rs760704259, ClinGen allele CA5532271.

ClinVar aggregate classification (germline): Uncertain significance (1 of 4 stars; one submission).

Allele frequency attached by ClinVar (database versions not stated): gnomAD exomes below 0.00001; ExAC 0.00001; gnomAD 0.00001.
gnomAD v4.1: 7 of 1,613,780 alleles (0.00043%); highest among the groups gnomAD compares: African/African-American, 0.0027%; no homozygotes.

Submission:

Labcorp Genetics (formerly Invitae), Labcorp
Classification: Uncertain significance. Last evaluated: 2021-01-29. Review status: criteria provided, single submitter. Criteria: Invitae Variant Classification Sherloc (09022015). Collection method: clinical testing. Allele origin: germline.
Comment: In summary, the available evidence is currently insufficient to determine the role of this variant in disease. Therefore, it has been classified as a Variant of Uncertain Significance. Algorithms developed to predict the effect of missense changes on protein structure and function are either unavailable or do not agree on the potential impact of this missense change (SIFT: "Deleterious"; PolyPhen-2: "Benign"; Align-GVGD: "Class C0"). This sequence change replaces arginine with tryptophan at codon 94 of the HK1 protein (p.Arg94Trp). The arginine residue is highly conserved and there is a moderate physicochemical difference between arginine and tryptophan. This variant is present in population databases (rs760704259, ExAC 0.01%). This variant has not been reported in the literature in individuals with HK1-related conditions.